The following is an entry in ClinVar:

ClinVar aggregate classification (germline): Uncertain significance (1 of 4 stars; one submission).

Conditions:
Nephronophthisis. Also called: Juvenile Nephronophthisis. Identifiers: Orphanet 655, MedGen C0687120, MONDO:0019005, HP:0000090.
Jeune thoracic dystrophy. Also called: Short-rib thoracic dysplasia; Jeune syndrome; Infantile thoracic dystrophy; Thoracic pelvic phalangeal dystrophy; Jeune's syndrome; Chondroectodermal dysplasia-like syndrome. Identifiers: Orphanet 474, MedGen C0265275, MONDO:0018770.

Submission:

Labcorp Genetics (formerly Invitae), Labcorp
Classification: Uncertain significance for Jeune thoracic dystrophy; Nephronophthisis. Last evaluated: 2022-06-15. Review status: criteria provided, single submitter. Criteria: Invitae Variant Classification Sherloc (09022015). Collection method: clinical testing. Allele origin: germline.
Comment: This variant is not present in population databases (gnomAD no frequency). This variant has not been reported in the literature in individuals affected with TTC21B-related conditions. Algorithms developed to predict the effect of missense changes on protein structure and function are either unavailable or do not agree on the potential impact of this missense change (SIFT: "Deleterious"; PolyPhen-2: "Possibly Damaging"; Align-GVGD: "Class C0"). In summary, the available evidence is currently insufficient to determine the role of this variant in disease. Therefore, it has been classified as a Variant of Uncertain Significance. This sequence change replaces leucine, which is neutral and non-polar, with valine, which is neutral and non-polar, at codon 353 of the TTC21B protein (p.Leu353Val).

NM_024753.5(TTC21B):c.1057C>G (p.Leu353Val)

Gene: TTC21B (tetratricopeptide repeat domain 21B; minus strand). Cytogenetic location: 2q24.3.
Variant type: single nucleotide variant.
Coding change: c.1057C>G on transcript NM_024753.5 (MANE Select); coding-DNA position 1057, C replaced by G.
Protein change: p.Leu353Val; replaces leucine 353 with valine.
Molecular consequence: missense variant.
Genome position (GRCh38, 1-based): chr2:165,930,202, G>C on the plus strand (C>G on the coding strand, the complement: TTC21B is on the minus strand). VCF-style: chr2-165930202-G-C. GRCh37 (hg19) VCF-style: chr2-166786712-G-C.
Other names: short protein forms L353V.
Identifiers: ClinVar variation 2007225 (VCV002007225.4), dbSNP rs762828145, ClinGen allele CA349066554.